The following is an entry in ClinVar:

NM_001378120.1(MBD5):c.2546C>T (p.Ala849Val)

Gene: MBD5 (methyl-CpG binding domain protein 5; plus strand). Cytogenetic location: 2q23.1.
Variant type: single nucleotide variant.
Coding change: c.2546C>T on transcript NM_001378120.1 (MANE Select); coding-DNA position 2546, C replaced by T.
Protein change: p.Ala849Val; replaces alanine 849 with valine.
Molecular consequence: missense variant.
Genome position (GRCh38, 1-based): chr2:148,483,137, C>T. VCF-style: chr2-148483137-C-T. GRCh37 (hg19) VCF-style: chr2-149240706-C-T.
Other names: c.2546C>T, p.Ala849Val (NM_018328.5); short protein forms A849V.
Identifiers: ClinVar variation 2135081 (VCV002135081.4), dbSNP rs2469972750, ClinGen allele CA348722193.

ClinVar aggregate classification (germline): Uncertain significance (1 of 4 stars; one submission).

Conditions:
Intellectual developmental disorder, autosomal dominant 1. Also called: Intellectual disability, autosomal dominant 1; MBD5 Haploinsufficiency. Identifiers: Orphanet 228402, MedGen C1969562, MONDO:0007974, OMIM 156200.

Submission:

Labcorp Genetics (formerly Invitae), Labcorp
Classification: Uncertain significance for Intellectual developmental disorder, autosomal dominant 1. Last evaluated: 2022-05-07. Review status: criteria provided, single submitter. Criteria: Invitae Variant Classification Sherloc (09022015). Collection method: clinical testing. Allele origin: germline.
Comment: This sequence change replaces alanine, which is neutral and non-polar, with valine, which is neutral and non-polar, at codon 849 of the MBD5 protein (p.Ala849Val). This variant is not present in population databases (gnomAD no frequency). This variant has not been reported in the literature in individuals affected with MBD5-related conditions. Algorithms developed to predict the effect of missense changes on protein structure and function (SIFT, PolyPhen-2, Align-GVGD) all suggest that this variant is likely to be disruptive. In summary, the available evidence is currently insufficient to determine the role of this variant in disease. Therefore, it has been classified as a Variant of Uncertain Significance.